The following is an entry in ClinVar:

ClinVar aggregate classification (germline): Benign/Likely benign. Review status: criteria provided, multiple submitters, no conflicts (2 of 4 stars). 3 submissions from 3 submitters: Benign (1); Likely benign (1). 1 of the submissions does not count toward it. Last evaluated 2025-08-24.

Conditions:
Inborn genetic diseases. Identifiers: MedGen C0950123, MeSH D030342.
SPEN-related disorder. Also called: SPEN-related condition.

Allele frequency attached by ClinVar (database versions not stated): gnomAD 0.00011; TOPMed 0.00015; ExAC 0.00018; ESP Exome Variant Server 0.00031.
gnomAD v4.1: 338 of 1,564,430 alleles (0.022%); highest among the groups gnomAD compares: Middle Eastern, 0.034%; no homozygotes.

Submissions (3):

Ambry Genetics
Classification: Likely benign for Inborn genetic diseases. Last evaluated: 2025-08-24. Review status: criteria provided, single submitter. Criteria: Ambry Variant Classification Scheme 2023. Collection method: clinical testing. Allele origin: germline.

CeGaT Center for Human Genetics Tuebingen
Classification: Benign. Last evaluated: 2024-10-01. Review status: criteria provided, single submitter. Criteria: CeGaT Center For Human Genetics Tuebingen Variant Classification Criteria Version 2. Collection method: clinical testing. Allele origin: germline. Affected: yes. Observed: 1 variant allele.
Comment: SPEN: BP4, BS1, BS2

PreventionGenetics, part of Exact Sciences
Classification: Likely benign for SPEN-related condition. Last evaluated: 2023-10-07. Review status: no assertion criteria provided. Collection method: clinical testing. Allele origin: germline. Not counted in ClinVar's aggregate classification.
Comment: This variant is classified as likely benign based on ACMG/AMP sequence variant interpretation guidelines (Richards et al. 2015 PMID: 25741868, with internal and published modifications).

NM_015001.3(SPEN):c.9980C>T (p.Ala3327Val)

Gene: SPEN (spen family transcriptional repressor; plus strand). Cytogenetic location: 1p36.13.
Variant type: single nucleotide variant.
Coding change: c.9980C>T on transcript NM_015001.3 (MANE Select); coding-DNA position 9980, C replaced by T.
Protein change: p.Ala3327Val; replaces alanine 3327 with valine.
Molecular consequence: missense variant.
Genome position (GRCh38, 1-based): chr1:15,936,220, C>T. VCF-style: chr1-15936220-C-T. GRCh37 (hg19) VCF-style: chr1-16262715-C-T.
Other names: short protein forms A3327V.
Identifiers: ClinVar variation 3054774 (VCV003054774.17), dbSNP rs149328916, ClinGen allele CA620613.